The following is an entry in ClinVar:

ClinVar aggregate classification (germline): Benign/Likely benign. Review status: criteria provided, multiple submitters, no conflicts (2 of 4 stars). 3 submissions from 2 submitters: Benign (2); Likely benign (1). Last evaluated 2020-01-23.

Conditions:
Primary open angle glaucoma (POAG). Also called: OPTN-related open angle glaucoma. Identifiers: MedGen C0339573, MONDO:0100553, OMIM 137760.
Amyotrophic lateral sclerosis type 12 (ALS12). Also called: AMYOTROPHIC LATERAL SCLEROSIS 12 WITH OR WITHOUT FRONTOTEMPORAL DEMENTIA. Identifiers: Orphanet 803, MedGen C3150692, MONDO:0013264, OMIM 613435.

Allele frequency attached by ClinVar (database versions not stated): gnomAD exomes 0.00159; gnomAD 0.01207 and 0.01294; TOPMed 0.01404; 1000 Genomes Project 0.01438; 1000 Genomes Project 30x 0.01671.
gnomAD v4.1: 2,366 of 465,292 alleles (0.51%); highest among the groups gnomAD compares: African/African-American, 4.1%; 43 homozygotes.

Submissions (3):

GeneDx
Classification: Likely benign. Last evaluated: 2020-01-23. Review status: criteria provided, single submitter. Criteria: GeneDx Variant Classification Process June 2021. Collection method: clinical testing. Allele origin: germline. Affected: yes.

Illumina Laboratory Services, Illumina
Classification: Benign for Primary open angle glaucoma. Last evaluated: 2018-01-13. Review status: criteria provided, single submitter. Criteria: ICSL Variant Classification Criteria 13 December 2019. Collection method: clinical testing. Allele origin: germline.
Comment: This variant was observed in the ICSL laboratory as part of a predisposition screen in an ostensibly healthy population. It had not been previously curated by ICSL or reported in the Human Gene Mutation Database (HGMD: prior to June 1st, 2018), and was therefore a candidate for classification through an automated scoring system. Utilizing variant allele frequency, disease prevalence and penetrance estimates, and inheritance mode, an automated score was calculated to assess if this variant is too frequent to cause the disease. Based on the score and internal cut-off values, a variant classified as benign is not then subjected to further curation. The score for this variant resulted in a classification of benign for this disease.

Illumina Laboratory Services, Illumina
Classification: Benign for Amyotrophic lateral sclerosis type 12. Last evaluated: 2018-01-13. Review status: criteria provided, single submitter. Criteria: ICSL Variant Classification Criteria 13 December 2019. Collection method: clinical testing. Allele origin: germline.
Comment: the same text as in the submission from Illumina Laboratory Services, Illumina above.

NM_001008212.2(OPTN):c.*269C>T

Gene: OPTN (optineurin; plus strand). Cytogenetic location: 10p13.
Variant type: single nucleotide variant.
Coding change: c.*269C>T on transcript NM_001008212.2 (MANE Select); 269 bases downstream of the stop codon, C replaced by T.
Molecular consequence: 3 prime UTR variant.
Genome position (GRCh38, 1-based): chr10:13,137,135, C>T. VCF-style: chr10-13137135-C-T. GRCh37 (hg19) VCF-style: chr10-13179135-C-T.
Other names: c.*269C>T (NM_001008211.1, NM_001008213.1, NM_021980.4).
Identifiers: ClinVar variation 299226 (VCV000299226.8), dbSNP rs111484304, ClinGen allele CA10628206.